The following is an entry in ClinVar:

ClinVar aggregate classification (germline): Uncertain significance. Review status: criteria provided, multiple submitters, no conflicts (2 of 4 stars). 3 submissions from 3 submitters: Uncertain significance (3). Last evaluated 2026-07-09.

Conditions:
Inborn genetic diseases. Identifiers: MedGen C0950123, MeSH D030342.

Allele frequency attached by ClinVar (database versions not stated): gnomAD exomes 0.00003; ExAC 0.00010; TOPMed 0.00006; gnomAD 0.00003.
gnomAD v4.1: 44 of 1,613,328 alleles (0.0027%); highest among the groups gnomAD compares: Admixed American, 0.058%; no homozygotes.

Submissions (3):

GeneDx
Classification: Uncertain significance. Last evaluated: 2026-07-09. Review status: criteria provided, single submitter. Criteria: GeneDx Variant Classification Process June 2021. Collection method: clinical testing. Allele origin: germline.
Comment: In silico analysis supports that this missense variant has a deleterious effect on protein structure/function; Has not been previously published as pathogenic or benign to our knowledge

Ambry Genetics
Classification: Uncertain significance for Inborn genetic diseases. Last evaluated: 2025-07-13. Review status: criteria provided, single submitter. Criteria: Ambry Variant Classification Scheme 2023. Collection method: clinical testing. Allele origin: germline.

Labcorp Genetics (formerly Invitae), Labcorp
Classification: Uncertain significance. Last evaluated: 2022-08-08. Review status: criteria provided, single submitter. Criteria: Invitae Variant Classification Sherloc (09022015). Collection method: clinical testing. Allele origin: germline.
Comment: This sequence change replaces arginine, which is basic and polar, with histidine, which is basic and polar, at codon 346 of the PUS1 protein (p.Arg346His). This variant is present in population databases (rs750169475, gnomAD 0.08%). This variant has not been reported in the literature in individuals affected with PUS1-related conditions. Algorithms developed to predict the effect of missense changes on protein structure and function are either unavailable or do not agree on the potential impact of this missense change (SIFT: "Deleterious"; PolyPhen-2: "Probably Damaging"; Align-GVGD: "Class C0"). In summary, the available evidence is currently insufficient to determine the role of this variant in disease. Therefore, it has been classified as a Variant of Uncertain Significance.

NM_025215.6(PUS1):c.1037G>A (p.Arg346His)

Gene: PUS1 (pseudouridine synthase 1; plus strand). Cytogenetic location: 12q24.33.
Variant type: single nucleotide variant.
Coding change: c.1037G>A on transcript NM_025215.6 (MANE Select); coding-DNA position 1037, G replaced by A.
Protein change: p.Arg346His; replaces arginine 346 with histidine.
Molecular consequence: missense variant.
Genome position (GRCh38, 1-based): chr12:131,941,784, G>A. VCF-style: chr12-131941784-G-A. GRCh37 (hg19) VCF-style: chr12-132426329-G-A.
Other names: c.953G>A, p.Arg318His (NM_001002019.3, NM_001002020.3); c.1037G>A (NM_025215.5); short protein forms R318H, R346H.
Identifiers: ClinVar variation 2054883 (VCV002054883.4), dbSNP rs750169475, ClinGen allele CA6884301.
Genomic context (GRCh38, chr12:131,941,784, plus strand): 5'-CCAAGGCGCCCGGACTCGGCCTGGTCCTGGAGAGGGTGCACTTCGAGAAGTACAACCAGC[G>A]CTTTGGCAACGATGGGCTGCATGAGCCGCTGGACTGGGCGCAGGAGGAAGGAAAGGTCGC-3'
Protein context (NP_079491.2, residues 336-356): ERVHFEKYNQ[Arg346His]FGNDGLHEPL